The following is an entry in ClinVar:

ClinVar aggregate classification (germline): Benign. Review status: criteria provided, multiple submitters, no conflicts (2 of 4 stars). 3 submissions from 3 submitters: Benign (2). 1 of the submissions does not count toward it. Last evaluated 2024-11-27.

Allele frequency attached by ClinVar (database versions not stated): 1000 Genomes Project 30x 0.17036; 1000 Genomes Project 0.17053; TOPMed 0.22356; gnomAD 0.24093 and 0.24148; ESP Exome Variant Server 0.24243.
gnomAD v4.1: 413,974 of 1,355,590 alleles (31%); highest among the groups gnomAD compares: Non-Finnish European, 34%; 67,453 homozygotes.

Submissions (3):

Blueprint Genetics
Classification: Benign. Last evaluated: 2024-11-27. Review status: criteria provided, single submitter. Criteria: ACMG Guidelines, 2015. Collection method: clinical testing. Allele origin: germline.

GeneDx
Classification: Benign. Last evaluated: 2022-04-07. Review status: criteria provided, single submitter. Criteria: GeneDx Variant Classification Process June 2021. Collection method: clinical testing. Allele origin: germline. Affected: yes.

Genetic Services Laboratory, University of Chicago
Classification: Likely benign for AllHighlyPenetrant. Review status: no assertion criteria provided. Collection method: clinical testing. Allele origin: germline. Inheritance: Autosomal recessive inheritance. Not counted in ClinVar's aggregate classification.
Comment: Likely benign based on allele frequency in 1000 Genomes Project or ESP global frequency and its presence in a patient with a rare or unrelated disease phenotype. NOT Sanger confirmed.

NM_021956.5(GRIK2):c.2085+10G>A

Gene: GRIK2 (glutamate ionotropic receptor kainate type subunit 2; plus strand). Cytogenetic location: 6q16.3.
Variant type: single nucleotide variant.
Coding change: c.2085+10G>A on transcript NM_021956.5 (MANE Select); 10 bases into the intron after coding-DNA position 2085, G replaced by A.
Molecular consequence: intron variant.
Genome position (GRCh38, 1-based): chr6:101,928,642, G>A. VCF-style: chr6-101928642-G-A. GRCh37 (hg19) VCF-style: chr6-102376517-G-A.
Other names: c.2085+10G>A (NM_175768.3, NM_001166247.1).
Identifiers: ClinVar variation 129171 (VCV000129171.9), dbSNP rs2243355, ClinGen allele CA153009.